The following is an entry in ClinVar:

NM_178452.6(DNAAF1):c.1712C>A (p.Pro571Gln)

Gene: DNAAF1 (dynein axonemal assembly factor 1; plus strand). Cytogenetic location: 16q24.1.
Variant type: single nucleotide variant.
Coding change: c.1712C>A on transcript NM_178452.6 (MANE Select); coding-DNA position 1712, C replaced by A.
Protein change: p.Pro571Gln; replaces proline 571 with glutamine.
Molecular consequence: missense variant.
Genome position (GRCh38, 1-based): chr16:84,175,946, C>A. VCF-style: chr16-84175946-C-A. GRCh37 (hg19) VCF-style: chr16-84209552-C-A.
Other names: c.1004C>A, p.Pro335Gln (NM_001318756.1); short protein forms P571Q, P335Q.
Identifiers: ClinVar variation 525299 (VCV000525299.11), dbSNP rs199727292, ClinGen allele CA14319738.

ClinVar aggregate classification (germline): Uncertain significance. Review status: criteria provided, multiple submitters, no conflicts (2 of 4 stars). 3 submissions from 3 submitters: Uncertain significance (3). Last evaluated 2025-08-05.

Conditions:
Primary ciliary dyskinesia. Also called: Ciliary dyskinesia. Identifiers: Orphanet 244, MedGen C0008780, MONDO:0016575, HP:0012265.

Allele frequency attached by ClinVar (database versions not stated): ESP Exome Variant Server 0.00008; TOPMed 0.00010.
gnomAD v4.1: 30 of 1,613,986 alleles (0.0019%); highest among the groups gnomAD compares: African/African-American, 0.039%; no homozygotes.

Submissions (3):

GeneDx
Classification: Uncertain significance. Last evaluated: 2025-08-05. Review status: criteria provided, single submitter. Criteria: GeneDx Variant Classification Process June 2021. Collection method: clinical testing. Allele origin: germline. Affected: yes.
Comment: In silico analysis supports that this missense variant has a deleterious effect on protein structure/function; In silico analysis suggests this variant may impact gene splicing. In the absence of RNA/functional studies, the actual effect of this sequence change is unknown.; Has not been previously published as pathogenic or benign to our knowledge

Ambry Genetics
Classification: Uncertain significance for Primary ciliary dyskinesia. Last evaluated: 2024-10-21. Review status: criteria provided, single submitter. Criteria: Ambry Variant Classification Scheme 2023. Collection method: clinical testing. Allele origin: germline.

Labcorp Genetics (formerly Invitae), Labcorp
Classification: Uncertain significance for Primary ciliary dyskinesia. Last evaluated: 2021-08-30. Review status: criteria provided, single submitter. Criteria: Invitae Variant Classification Sherloc (09022015). Collection method: clinical testing. Allele origin: germline.
Comment: This sequence change replaces proline with glutamine at codon 571 of the DNAAF1 protein (p.Pro571Gln). The proline residue is weakly conserved and there is a moderate physicochemical difference between proline and glutamine. This variant is not present in population databases (ExAC no frequency). This variant has not been reported in the literature in individuals affected with DNAAF1-related conditions. ClinVar contains an entry for this variant (Variation ID: 525299). Algorithms developed to predict the effect of missense changes on protein structure and function are either unavailable or do not agree on the potential impact of this missense change (SIFT: "Tolerated"; PolyPhen-2: "Probably Damaging"; Align-GVGD: "Class C0"). Algorithms developed to predict the effect of sequence changes on RNA splicing suggest that this variant may create or strengthen a splice site. In summary, the available evidence is currently insufficient to determine the role of this variant in disease. Therefore, it has been classified as a Variant of Uncertain Significance.